The following is an entry in ClinVar:

ClinVar aggregate classification (germline): Uncertain significance. Review status: criteria provided, multiple submitters, no conflicts (2 of 4 stars). 4 submissions from 4 submitters: Uncertain significance (4). Last evaluated 2025-09-10.

Conditions:
Atrial septal defect 3 (ASD3). Identifiers: Orphanet 1478, MedGen C3279790, MONDO:0013567, OMIM 614089.

gnomAD v4.1: 1 of 1,612,366 alleles (0.000062%); no homozygotes.

Submissions (4):

Genomic Medicine Center of Excellence, King Faisal Specialist Hospital and Research Centre
Classification: Uncertain significance for Atrial septal defect 3. Last evaluated: 2025-09-10. Review status: criteria provided, single submitter. Criteria: ACMG Guidelines, 2015. Collection method: clinical testing. Allele origin: germline.

GeneDx
Classification: Uncertain significance. Last evaluated: 2024-10-07. Review status: criteria provided, single submitter. Criteria: GeneDx Variant Classification Process June 2021. Collection method: clinical testing. Allele origin: germline. Affected: yes.
Comment: Not observed at significant frequency in large population cohorts (gnomAD); In silico analysis indicates that this missense variant does not alter protein structure/function; Has not been previously published as pathogenic or benign to our knowledge

CeGaT Center for Human Genetics Tuebingen
Classification: Uncertain significance. Last evaluated: 2018-03-01. Review status: criteria provided, single submitter. Criteria: CeGaT Center For Human Genetics Tuebingen Variant Classification Criteria Version 2. Collection method: clinical testing. Allele origin: germline. Affected: yes. Observed: 1 variant allele.

Breakthrough Genomics
Classification: Uncertain significance. Review status: criteria provided, single submitter. Criteria: ACMG Guidelines, 2015. Collection method: not provided. Allele origin: germline. Inheritance: Autosomal dominant inheritance. Affected: yes.

NM_002471.4(MYH6):c.3366G>T (p.Glu1122Asp)

Gene: MYH6 (myosin heavy chain 6; minus strand). Cytogenetic location: 14q11.2.
Variant type: single nucleotide variant.
Coding change: c.3366G>T on transcript NM_002471.4 (MANE Select); coding-DNA position 3366, G replaced by T.
Protein change: p.Glu1122Asp; replaces glutamic acid 1122 with aspartic acid.
Molecular consequence: missense variant.
Genome position (GRCh38, 1-based): chr14:23,390,423, C>A on the plus strand (G>T on the coding strand, the complement: MYH6 is on the minus strand). VCF-style: chr14-23390423-C-A. GRCh37 (hg19) VCF-style: chr14-23859632-C-A.
Other names: c.3366G>T (NM_002471.3); short protein forms E1122D.
Identifiers: ClinVar variation 807076 (VCV000807076.45), dbSNP rs1427532095, ClinGen allele CA389006682.